The following is an entry in ClinVar:

ClinVar aggregate classification (germline): Likely benign. Review status: criteria provided, single submitter (1 of 4 stars). 2 submissions from 2 submitters: Likely benign (1). 1 of the submissions does not count toward it. Last evaluated 2025-02-11.

Conditions:
Autosomal recessive polycystic kidney disease (ARPKD). Also called: AR polycystic kidney disease. Identifiers: Orphanet 731, Orphanet 8378, MedGen C0085548, MeSH D017044, MONDO:0009889.
PKHD1-related disorder. Also called: PKHD1-related condition.

Allele frequency attached by ClinVar (database versions not stated): gnomAD exomes 0.00001 and 0.00003; ExAC 0.00002; gnomAD 0.00002; TOPMed 0.00002.
gnomAD v4.1: 21 of 1,613,774 alleles (0.0013%); highest among the groups gnomAD compares: Middle Eastern, 0.016%; no homozygotes.

Submissions (2):

Labcorp Genetics (formerly Invitae), Labcorp
Classification: Likely benign for Autosomal recessive polycystic kidney disease. Last evaluated: 2025-02-11. Review status: criteria provided, single submitter. Criteria: Invitae Variant Classification Sherloc (09022015). Collection method: clinical testing. Allele origin: germline.

PreventionGenetics, part of Exact Sciences
Classification: Likely benign for PKHD1-related condition. Last evaluated: 2021-09-15. Review status: no assertion criteria provided. Collection method: clinical testing. Allele origin: germline. Not counted in ClinVar's aggregate classification.
Comment: This variant is classified as likely benign based on ACMG/AMP sequence variant interpretation guidelines (Richards et al. 2015 PMID: 25741868, with internal and published modifications).

NM_138694.4(PKHD1):c.5499G>A (p.Ser1833=)

Gene: PKHD1 (PKHD1 ciliary IPT domain containing fibrocystin/polyductin; minus strand). Cytogenetic location: 6p12.2.
Variant type: single nucleotide variant.
Coding change: c.5499G>A on transcript NM_138694.4 (MANE Select); coding-DNA position 5499, G replaced by A.
Protein change: p.Ser1833=; no amino-acid change (serine 1833 retained).
Molecular consequence: synonymous variant.
Genome position (GRCh38, 1-based): chr6:52,017,511, C>T on the plus strand (G>A on the coding strand, the complement: PKHD1 is on the minus strand). VCF-style: chr6-52017511-C-T. GRCh37 (hg19) VCF-style: chr6-51882309-C-T.
Other names: c.5499G>A (NM_138694.3); c.5499G>A, p.Ser1833= (NM_170724.3).
Identifiers: ClinVar variation 1143181 (VCV001143181.11), dbSNP rs557919334, ClinGen allele CA3852500.